The following is an entry in ClinVar:

NM_000343.4(SLC5A1):c.325G>T (p.Val109Leu)

Gene: SLC5A1 (solute carrier family 5 member 1; plus strand). Cytogenetic location: 22q12.3.
Variant type: single nucleotide variant.
Coding change: c.325G>T on transcript NM_000343.4 (MANE Select); coding-DNA position 325, G replaced by T.
Protein change: p.Val109Leu; replaces valine 109 with leucine.
Molecular consequence: missense variant. On other transcripts: 5 prime UTR variant (1).
Genome position (GRCh38, 1-based): chr22:32,067,979, G>T. VCF-style: chr22-32067979-G-T. GRCh37 (hg19) VCF-style: chr22-32463966-G-T.
Other names: c.-57G>T (NM_001256314.2); short protein forms V109L.
Identifiers: ClinVar variation 1471321 (VCV001471321.4), dbSNP rs1260871547, ClinGen allele CA411314622.

ClinVar aggregate classification (germline): Uncertain significance (1 of 4 stars; one submission).

Conditions:
Congenital glucose-galactose malabsorption (GGM). Also called: DIARRHEA 16; MONOSACCHARIDE MALABSORPTION. Identifiers: Orphanet 35710, MedGen C0268186, MONDO:0011731, OMIM 606824.

Allele frequency attached by ClinVar (database versions not stated): gnomAD exomes below 0.00001 and 0.00001; TOPMed below 0.00001; gnomAD 0.00001.
gnomAD v4.1: 9 of 1,614,048 alleles (0.00056%); highest among the groups gnomAD compares: African/African-American, 0.0027%; no homozygotes.

Submission:

Labcorp Genetics (formerly Invitae), Labcorp
Classification: Uncertain significance for Congenital glucose-galactose malabsorption. Last evaluated: 2021-10-25. Review status: criteria provided, single submitter. Criteria: Invitae Variant Classification Sherloc (09022015). Collection method: clinical testing. Allele origin: germline.
Comment: This variant is not present in population databases (ExAC no frequency). In summary, the available evidence is currently insufficient to determine the role of this variant in disease. Therefore, it has been classified as a Variant of Uncertain Significance. Algorithms developed to predict the effect of missense changes on protein structure and function are either unavailable or do not agree on the potential impact of this missense change (SIFT: "Deleterious"; PolyPhen-2: "Benign"; Align-GVGD: "Class C25"). This variant has not been reported in the literature in individuals affected with SLC5A1-related conditions. This sequence change replaces valine with leucine at codon 109 of the SLC5A1 protein (p.Val109Leu). The valine residue is highly conserved and there is a small physicochemical difference between valine and leucine.